The following is an entry in ClinVar:

Conditions:
Breast-ovarian cancer, familial, susceptibility to, 1 (BROVCA1). Also called: BRCA1 Hereditary Breast and Ovarian Cancer; OVARIAN CANCER, SUSCEPTIBILITY TO. Identifiers: Orphanet 145, MedGen C2676676, MONDO:0011450, OMIM 604370. Disease mechanism: loss of function.

Submission:

Brotman Baty Institute, University of Washington
No classification provided (evidence only). Condition: Breast-ovarian cancer, familial 1. Review status: no classification provided. Collection method: in vitro. Allele origin: not applicable. Functional consequence: functionally_normal.
ClinVar note: "not provided" was previously submitted as the classification for the variant. However, the classification appeared to be based only on an observation of functional data so it was converted to no classification on 2025-07-30.

NM_007294.4(BRCA1):c.5193+6T>A

Gene: BRCA1 (BRCA1 DNA repair associated; minus strand). Cytogenetic location: 17q21.31.
Variant type: single nucleotide variant.
Coding change: c.5193+6T>A on transcript NM_007294.4 (MANE Select); 6 bases into the intron after coding-DNA position 5193, T replaced by A.
Molecular consequence: intron variant.
Genome position (GRCh38, 1-based): chr17:43,063,327, A>T on the plus strand (T>A on the coding strand, the complement: BRCA1 is on the minus strand). VCF-style: chr17-43063327-A-T. GRCh37 (hg19) VCF-style: chr17-41215344-A-T.
Other names: c.5049+6T>A (NM_001407744.1, NM_001407750.1, NM_001407732.1 and 21 more transcripts); c.1620+6T>A (NM_001408496.1, NM_001408499.1, NM_001408498.1 and 3 more transcripts); c.4926+6T>A (NM_001407929.1, NM_001407930.1, NM_001407933.1 and 4 more transcripts); c.4929+6T>A (NM_001407924.1, NM_001407920.1, NM_001407923.1 and 4 more transcripts); c.1740+6T>A (NM_001408460.1, NM_001408465.1, NM_001408463.1 and 7 more transcripts); c.1743+6T>A (NM_001408454.1, NM_001408456.1, NM_001408453.1 and 3 more transcripts); c.5046+6T>A (NM_001407852.1, NM_001407853.1, NM_001407843.1 and 12 more transcripts); c.5052+6T>A (NM_001407698.1, NM_001407942.1, NM_001407694.1 and 13 more transcripts); and 72 more.
Identifiers: ClinVar variation 865109 (VCV000865109.3), dbSNP rs1555578283, ClinGen allele CA916080032.
Genomic context (GRCh38, chr17:43,063,327, plus strand): 5'-CAAATACATTTTTAACTATATGACTGAATGAATATCTCTGGTTAGTTTGTAACATCAAGT[A>T]CTTACCTCATTCAGCATTTTTCTTTCTTTAATAGACTGGGTCACCCCTAAAGAGATCATA-3'